The following is an entry in ClinVar:

NM_001003841.3(SLC6A19):c.195C>T (p.His65=)

Gene: SLC6A19 (solute carrier family 6 member 19; plus strand). Cytogenetic location: 5p15.33.
Variant type: single nucleotide variant.
Coding change: c.195C>T on transcript NM_001003841.3 (MANE Select); coding-DNA position 195, C replaced by T.
Protein change: p.His65=; no amino-acid change (histidine 65 retained).
Molecular consequence: synonymous variant.
Genome position (GRCh38, 1-based): chr5:1,201,845, C>T. VCF-style: chr5-1201845-C-T. GRCh37 (hg19) VCF-style: chr5-1201960-C-T.
Other names: c.195C>T (NM_001003841.2).
Identifiers: ClinVar variation 1581688 (VCV001581688.14), dbSNP rs143165913, ClinGen allele CA3182586.

ClinVar aggregate classification (germline): Likely benign. Review status: criteria provided, multiple submitters, no conflicts (2 of 4 stars). 5 submissions from 5 submitters: Likely benign (4). 1 of the submissions does not count toward it. Last evaluated 2026-04-01.

Conditions:
Hyperglycinuria. Also called: GLYCINURIA WITH OR WITHOUT OXALATE NEPHROLITHIASIS; GLYCINURIA WITH OR WITHOUT OXALATE UROLITHIASIS; IMINOGLYCINURIA TYPE II. Identifiers: MedGen C0543541, MONDO:0007677, OMIM 138500, HP:0003108.
Iminoglycinuria. Identifiers: Orphanet 42062, MedGen C0268654, MONDO:0009448, OMIM 242600.
Neutral 1 amino acid transport defect (HND). Also called: HARTNUP DISORDER; Hartnup disease. Identifiers: Orphanet 2116, MedGen C0018609, MONDO:0009324, OMIM 234500.
SLC6A19-related disorder. Also called: SLC6A19-related condition.

Allele frequency attached by ClinVar (database versions not stated): ExAC 0.00010; gnomAD 0.00010 and 0.00011; gnomAD exomes 0.00010 and 0.00014; 1000 Genomes Project 0.00020; TOPMed 0.00021; 1000 Genomes Project 30x 0.00031; ESP Exome Variant Server 0.00038.
gnomAD v4.1: 218 of 1,610,534 alleles (0.014%); highest among the groups gnomAD compares: Admixed American, 0.022%; no homozygotes.

Submissions (5):

CeGaT Center for Human Genetics Tuebingen
Classification: Likely benign. Last evaluated: 2026-04-01. Review status: criteria provided, single submitter. Criteria: CeGaT Center For Human Genetics Tuebingen Variant Classification Criteria Version 2. Collection method: clinical testing. Allele origin: germline. Affected: yes. Observed: 1 variant allele.
Comment: SLC6A19: BP4, BP7

Labcorp Genetics (formerly Invitae), Labcorp
Classification: Likely benign. Last evaluated: 2025-12-10. Review status: criteria provided, single submitter. Criteria: Invitae Variant Classification Sherloc (09022015). Collection method: clinical testing. Allele origin: germline.

Fulgent Genetics
Classification: Likely benign for Hyperglycinuria; Neutral 1 amino acid transport defect; Iminoglycinuria. Last evaluated: 2021-07-27. Review status: criteria provided, single submitter. Criteria: ACMG Guidelines, 2015. Collection method: clinical testing. Allele origin: unknown.

Breakthrough Genomics
Classification: Likely benign. Review status: criteria provided, single submitter. Criteria: ACMG Guidelines, 2015. Collection method: not provided. Allele origin: germline. Inheritance: Autosomal recessive inheritance. Affected: yes.

PreventionGenetics, part of Exact Sciences
Classification: Likely benign for SLC6A19-related condition. Last evaluated: 2019-02-21. Review status: no assertion criteria provided. Collection method: clinical testing. Allele origin: germline. Not counted in ClinVar's aggregate classification.
Comment: This variant is classified as likely benign based on ACMG/AMP sequence variant interpretation guidelines (Richards et al. 2015 PMID: 25741868, with internal and published modifications).